The following is an entry in ClinVar:

NM_001135651.3(EIF2AK2):c.61C>G (p.Gln21Glu)

Gene: EIF2AK2 (eukaryotic translation initiation factor 2 alpha kinase 2; minus strand). Cytogenetic location: 2p22.2.
Variant type: single nucleotide variant.
Coding change: c.61C>G on transcript NM_001135651.3 (MANE Select); coding-DNA position 61, C replaced by G.
Protein change: p.Gln21Glu; replaces glutamine 21 with glutamic acid.
Molecular consequence: missense variant.
Genome position (GRCh38, 1-based): chr2:37,147,746, G>C on the plus strand (C>G on the coding strand, the complement: EIF2AK2 is on the minus strand). VCF-style: chr2-37147746-G-C. GRCh37 (hg19) VCF-style: chr2-37374889-G-C.
Other names: c.61C>G, p.Gln21Glu (NM_001135652.3, NM_002759.4); short protein forms Q21E.
Identifiers: ClinVar variation 3360040 (VCV003360040.1).

ClinVar aggregate classification (germline): Uncertain significance (1 of 4 stars; one submission).

Submission:

GeneDx
Classification: Uncertain significance. Last evaluated: 2023-06-16. Review status: criteria provided, single submitter. Criteria: GeneDx Variant Classification Process June 2021. Collection method: clinical testing. Allele origin: germline. Affected: yes.
Comment: Not observed at significant frequency in large population cohorts (gnomAD); In silico analysis supports that this missense variant does not alter protein structure/function; Has not been previously published as pathogenic or benign to our knowledge